The following is an entry in ClinVar:

ClinVar aggregate classification (germline): Uncertain significance (1 of 4 stars; one submission).

Submission:

Dasa
Classification: Uncertain significance. Last evaluated: 2024-11-14. Review status: criteria provided, single submitter. Criteria: DASA Assertion Criteria. Collection method: clinical testing. Allele origin: germline.
Comment: NM_001080517.3(SETD5):c.389-8T>C is a splice-region variant. This variant is absent from population databases. Computational prediction algorithms are consistent with a benign effect. The currently available literature and clinical evidence are not sufficient to establish a definitive association between this variant and the reported condition. Therefore, this variant is classified as a variant of uncertain significance.

NM_001080517.3(SETD5):c.389-8T>C

Gene: SETD5 (SET domain containing 5; plus strand). Cytogenetic location: 3p25.3.
Variant type: single nucleotide variant.
Coding change: c.389-8T>C on transcript NM_001080517.3 (MANE Select); 8 bases into the intron before coding-DNA position 389, T replaced by C.
Molecular consequence: intron variant.
Genome position (GRCh38, 1-based): chr3:9,435,720, T>C. VCF-style: chr3-9435720-T-C. GRCh37 (hg19) VCF-style: chr3-9477404-T-C.
Other names: c.389-8T>C (NM_001437643.1, NM_001437701.1); c.56-8T>C (NM_001349451.2, NM_001292043.2); c.446-8T>C (NM_001437633.1, NM_001437635.1).
Identifiers: ClinVar variation 4882156 (VCV004882156.2).